The following is an entry in ClinVar:

ClinVar aggregate classification (germline): Uncertain significance. Review status: criteria provided, multiple submitters, no conflicts (2 of 4 stars). 2 submissions from 2 submitters: Uncertain significance (2). Last evaluated 2025-03-17.

Conditions:
Joubert syndrome 18 (JBTS18). Identifiers: Orphanet 2754, MedGen C3553758, MONDO:0013896, OMIM 614815.
Orofacial-digital syndrome IV (OFD4). Also called: Orofaciodigital syndrome IV; BARAITSER-BURN SYNDROME; OFD SYNDROME WITH TIBIAL DEFECTS; OFD SYNDROME, BARAITSER-BURN TYPE; OFDS IV; ORAL-FACIAL-DIGITAL SYNDROME, TYPE IV. Identifiers: Orphanet 2753, MedGen C0406727, MONDO:0009794, OMIM 258860.

Allele frequency attached by ClinVar (database versions not stated): gnomAD exomes below 0.00001; ExAC 0.00001; TOPMed 0.00001.
gnomAD v4.1: 2 of 1,614,040 alleles (0.00012%); highest among the groups gnomAD compares: Admixed American, 0.0033%; no homozygotes.

Submissions (2):

GeneDx
Classification: Uncertain significance. Last evaluated: 2025-03-17. Review status: criteria provided, single submitter. Criteria: GeneDx Variant Classification Process June 2021. Collection method: clinical testing. Allele origin: germline. Affected: yes.
Comment: Not observed at significant frequency in large population cohorts (gnomAD); In silico analysis supports that this missense variant has a deleterious effect on protein structure/function; Has not been previously published as pathogenic or benign to our knowledge

Labcorp Genetics (formerly Invitae), Labcorp
Classification: Uncertain significance for Joubert syndrome 18; Orofacial-digital syndrome IV. Last evaluated: 2022-03-04. Review status: criteria provided, single submitter. Criteria: Invitae Variant Classification Sherloc (09022015). Collection method: clinical testing. Allele origin: germline.
Comment: This sequence change replaces phenylalanine, which is neutral and non-polar, with cysteine, which is neutral and slightly polar, at codon 360 of the TCTN3 protein (p.Phe360Cys). This variant is not present in population databases (gnomAD no frequency). This variant has not been reported in the literature in individuals affected with TCTN3-related conditions. Algorithms developed to predict the effect of missense changes on protein structure and function (SIFT, PolyPhen-2, Align-GVGD) all suggest that this variant is likely to be disruptive. In summary, the available evidence is currently insufficient to determine the role of this variant in disease. Therefore, it has been classified as a Variant of Uncertain Significance.

NM_015631.6(TCTN3):c.1079T>G (p.Phe360Cys)

Gene: TCTN3 (tectonic family member 3; minus strand). Cytogenetic location: 10q24.1.
Variant type: single nucleotide variant.
Coding change: c.1079T>G on transcript NM_015631.6 (MANE Select); coding-DNA position 1079, T replaced by G.
Protein change: p.Phe360Cys; replaces phenylalanine 360 with cysteine.
Molecular consequence: missense variant. On other transcripts: intron variant (1).
Genome position (GRCh38, 1-based): chr10:95,684,515, A>C on the plus strand (T>G on the coding strand, the complement: TCTN3 is on the minus strand). VCF-style: chr10-95684515-A-C. GRCh37 (hg19) VCF-style: chr10-97444272-A-C.
Other names: c.1133T>G, p.Phe378Cys (NM_001013840.1); c.998T>G, p.Phe333Cys (NM_001410982.1); c.652-886T>G (NM_001143973.2); c.1079T>G (NM_015631.5); short protein forms F333C, F360C, F378C.
Identifiers: ClinVar variation 1984081 (VCV001984081.2), dbSNP rs761227554, ClinGen allele CA5620971.